The following is an entry in ClinVar:

ClinVar aggregate classification (germline): Likely benign (1 of 4 stars; one submission).

Conditions:
EP300-related disorder. Also called: EP300-related condition; EP300-related disorders.

gnomAD v4.1: 1 of 1,614,220 alleles (0.000062%); highest among the groups gnomAD compares: Non-Finnish European, 0.000085%; no homozygotes.

Submission:

PreventionGenetics, part of Exact Sciences
Classification: Likely benign for EP300-related condition. Last evaluated: 2025-03-05. Review status: criteria provided, single submitter. Criteria: ACMG Guidelines, 2015. Collection method: clinical testing. Allele origin: germline.
Comment: This variant is classified as likely benign based on ACMG/AMP sequence variant interpretation guidelines (Richards et al. 2015 PMID: 25741868, with internal and published modifications).

NM_001429.4(EP300):c.1126C>T (p.Leu376=)

Gene: EP300 (EP300 lysine acetyltransferase; plus strand). Cytogenetic location: 22q13.2.
Variant type: single nucleotide variant.
Coding change: c.1126C>T on transcript NM_001429.4 (MANE Select); coding-DNA position 1126, C replaced by T.
Protein change: p.Leu376=; no amino-acid change (leucine 376 retained).
Molecular consequence: synonymous variant.
Genome position (GRCh38, 1-based): chr22:41,127,706, C>T. VCF-style: chr22-41127706-C-T. GRCh37 (hg19) VCF-style: chr22-41523710-C-T.
Other names: c.1126C>T, p.Leu376= (NM_001362843.2).
Identifiers: ClinVar variation 5001750 (VCV005001750.1).
Genomic context (GRCh38, chr22:41,127,706, plus strand): 5'-CAGGCCAATGGGGAAGTGAGGCAGTGCAACCTTCCCCACTGTCGCACAATGAAGAATGTC[C>T]TAAACCACATGACACACTGCCAGTCAGGCAAGTCTTGCCAAGGTAAGTGGACCCACAGGG-3'
Protein context (NP_001420.2, residues 366-386): LPHCRTMKNV[Leu376=]NHMTHCQSGK